The following is an entry in ClinVar:

NM_006493.4(CLN5):c.296C>T (p.Ala99Val)

Gene: CLN5 (CLN5 lysosomal BMP synthase; plus strand). Cytogenetic location: 13q22.3.
Variant type: single nucleotide variant.
Coding change: c.296C>T on transcript NM_006493.4 (MANE Select); coding-DNA position 296, C replaced by T.
Protein change: p.Ala99Val; replaces alanine 99 with valine.
Molecular consequence: missense variant.
Genome position (GRCh38, 1-based): chr13:76,995,185, C>T. VCF-style: chr13-76995185-C-T. GRCh37 (hg19) VCF-style: chr13-77569320-C-T.
Other names: c.296C>T, p.Ala99Val (NM_001366624.2); short protein forms A99V.
Identifiers: ClinVar variation 854910 (VCV000854910.8), dbSNP rs143759121, ClinGen allele CA7007176.

ClinVar aggregate classification (germline): Uncertain significance. Review status: criteria provided, multiple submitters, no conflicts (2 of 4 stars). 3 submissions from 3 submitters: Uncertain significance (2). 1 of the submissions does not count toward it. Last evaluated 2026-04-02.

Conditions:
Neuronal ceroid lipofuscinosis. Also called: Neuronal Ceroid Lipofuscinoses. Identifiers: Orphanet 216, Orphanet 79263, MedGen C0027877, MONDO:0016295. Disease mechanism: loss of function.

Allele frequency attached by ClinVar (database versions not stated): gnomAD 0.00003 and 0.00001; ExAC 0.00002; 1000 Genomes Project 30x 0.00062; gnomAD exomes 0.00001 and 0.00002; 1000 Genomes Project 0.00080; TOPMed 0.00003; ESP Exome Variant Server 0.00008.
gnomAD v4.1: 15 of 1,614,062 alleles (0.00093%); highest among the groups gnomAD compares: African/African-American, 0.02%; no homozygotes.

Submissions (3):

GeneDx
Classification: Uncertain significance. Last evaluated: 2026-04-02. Review status: criteria provided, single submitter. Criteria: GeneDx Variant Classification Process June 2021. Collection method: clinical testing. Allele origin: germline.
Comment: In silico analysis supports that this missense variant has a deleterious effect on protein structure/function; Has not been previously published as pathogenic or benign to our knowledge

Labcorp Genetics (formerly Invitae), Labcorp
Classification: Uncertain significance for Neuronal ceroid lipofuscinosis. Last evaluated: 2022-07-06. Review status: criteria provided, single submitter. Criteria: Invitae Variant Classification Sherloc (09022015). Collection method: clinical testing. Allele origin: germline.
Comment: This sequence change replaces alanine, which is neutral and non-polar, with valine, which is neutral and non-polar, at codon 148 of the CLN5 protein (p.Ala148Val). This variant is present in population databases (rs143759121, gnomAD 0.03%). This variant has not been reported in the literature in individuals affected with CLN5-related conditions. ClinVar contains an entry for this variant (Variation ID: 854910). Algorithms developed to predict the effect of missense changes on protein structure and function are either unavailable or do not agree on the potential impact of this missense change (SIFT: "Deleterious"; PolyPhen-2: "Possibly Damaging"; Align-GVGD: "Class C0"). In summary, the available evidence is currently insufficient to determine the role of this variant in disease. Therefore, it has been classified as a Variant of Uncertain Significance.

Natera, Inc.
Classification: Uncertain significance for Neuronal ceroid lipofuscinosis. Last evaluated: 2021-01-14. Review status: no assertion criteria provided. Collection method: clinical testing. Allele origin: germline. Not counted in ClinVar's aggregate classification.